The following is an entry in ClinVar:

NM_001378615.1(CC2D2A):c.2117G>A (p.Arg706Gln)

Genes: CC2D2A (coiled-coil and C2 domain containing 2A; plus strand), FBXL5 (F-box and leucine rich repeat protein 5; minus strand). Cytogenetic location: 4p15.32.
Variant type: single nucleotide variant.
Coding change: c.2117G>A on transcript NM_001378615.1 (MANE Select); coding-DNA position 2117, G replaced by A.
Protein change: p.Arg706Gln; replaces arginine 706 with glutamine.
Molecular consequence: missense variant.
Genome position (GRCh38, 1-based): chr4:15,540,950, G>A. VCF-style: chr4-15540950-G-A. GRCh37 (hg19) VCF-style: chr4-15542573-G-A.
Other names: c.2117G>A, p.Arg706Gln (NM_001080522.2); c.1970G>A, p.Arg657Gln (NM_001378617.1); short protein forms R706Q, R657Q.
Identifiers: ClinVar variation 290432 (VCV000290432.24), dbSNP rs778205727, ClinGen allele CA2863850.
Genomic context (GRCh38, chr4:15,540,950, plus strand): 5'-TGCTGTTCAACAACAAGGAGGTGTCCAGGACAGTCAGTCGGCCACTAGGAGCAGACTTCC[G>A]AGTTCACTTTGGGCAGATTTTCAATTTGCAAATAGTCAACTGGCCGGAGAGTTTAACACT-3'
Protein context (NP_001365544.1, residues 696-716): TVSRPLGADF[Arg706Gln]VHFGQIFNLQ

ClinVar aggregate classification (germline): Conflicting classifications of pathogenicity. Review status: criteria provided, conflicting classifications (1 of 4 stars). 7 submissions from 6 submitters: Uncertain significance (3); Benign (1); Likely benign (2). 1 of the submissions does not count toward it. Last evaluated 2026-01-26.

Conditions:
Joubert syndrome 9 (JBTS9). Identifiers: Orphanet 2318, MedGen C2676788, MONDO:0012849, OMIM 612285.
CC2D2A-related disorder. Also called: CC2D2A-related disorders; CC2D2A-related condition. Identifiers: MedGen CN239313.
Joubert syndrome. Also called: Familial aplasia of the vermis; JOUBERT-BOLTSHAUSER SYNDROME. Identifiers: Orphanet 475, MedGen C5979921, MONDO:0018772.
Meckel-Gruber syndrome. Also called: Dysencephalia splachnocystica; DYSENCEPHALIA SPLANCHNOCYSTICA; GRUBER SYNDROME. Identifiers: Orphanet 564, MedGen C0265215, MONDO:0018921.
Meckel syndrome, type 6. Identifiers: Orphanet 564, MedGen C2676790, MONDO:0012848, OMIM 612284.

Allele frequency attached by ClinVar (database versions not stated): gnomAD exomes 0.00007 and 0.00037; gnomAD 0.00009 and 0.00010; ExAC 0.00015; TOPMed 0.00021.
gnomAD v4.1: 117 of 1,559,880 alleles (0.0075%); highest among the groups gnomAD compares: Admixed American, 0.12%; 2 homozygotes.

Submissions (7):

Labcorp Genetics (formerly Invitae), Labcorp
Classification: Benign for Joubert syndrome; Meckel-Gruber syndrome. Last evaluated: 2026-01-26. Review status: criteria provided, single submitter. Criteria: Invitae Variant Classification Sherloc (09022015). Collection method: clinical testing. Allele origin: germline.

Blueprint Genetics
Classification: Likely benign. Last evaluated: 2023-02-13. Review status: criteria provided, single submitter. Criteria: ACMG Guidelines, 2015. Collection method: clinical testing. Allele origin: germline.

Eurofins Ntd Llc (ga)
Classification: Uncertain significance. Last evaluated: 2018-07-16. Review status: criteria provided, single submitter. Criteria: EGL ClinVar v180209 classification definitions. Collection method: clinical testing. Allele origin: germline. Observed: 4 variant alleles, 4 heterozygotes.

Illumina Laboratory Services, Illumina
Classification: Likely benign for Joubert syndrome 9. Last evaluated: 2018-01-13. Review status: criteria provided, single submitter. Criteria: ICSL Variant Classification Criteria 13 December 2019. Collection method: clinical testing. Allele origin: germline.
Comment: This variant was observed in the ICSL laboratory as part of a predisposition screen in an ostensibly healthy population. It had not been previously curated by ICSL or reported in the Human Gene Mutation Database (HGMD: prior to June 1st, 2018), and was therefore a candidate for classification through an automated scoring system. Utilizing variant allele frequency, disease prevalence and penetrance estimates, and inheritance mode, an automated score was calculated to assess if this variant is too frequent to cause the disease. Based on the score and internal cut-off values, a variant classified as likely benign is not then subjected to further curation. The score for this variant resulted in a classification of likely benign for this disease.

Illumina Laboratory Services, Illumina
Classification: Uncertain significance for Meckel syndrome, type 6. Last evaluated: 2018-01-13. Review status: criteria provided, single submitter. Criteria: ICSL Variant Classification Criteria 13 December 2019. Collection method: clinical testing. Allele origin: germline.

GeneDx
Classification: Uncertain significance. Last evaluated: 2017-03-16. Review status: criteria provided, single submitter. Criteria: GeneDx Variant Classification (06012015). Collection method: clinical testing. Allele origin: germline. Affected: yes.
Comment: A variant of uncertain significance has been identified in the CC2D2A gene. The R706Q variant has not been published as a pathogenic variant, nor has it been reported as a benign variant to our knowledge. The R706Q variant is not observed at a significant frequency in large population cohorts (Lek et al., 2016; 1000 Genomes Consortium et al., 2015; Exome Variant Server). The R706Q variant is a semi-conservative amino acid substitution, which may impact secondary protein structure as these residues differ in some properties. However, this substitution occurs at a position that is not conserved. In silico analysis is inconsistent in its predictions as to whether or not the variant is damaging to the protein structure/function. Therefore, based on the currently available information, it is unclear whether this variant is a pathogenic variant or a rare benign variant.

PreventionGenetics, part of Exact Sciences
Classification: Likely benign for CC2D2A-related condition. Last evaluated: 2022-03-15. Review status: no assertion criteria provided. Collection method: clinical testing. Allele origin: germline. Not counted in ClinVar's aggregate classification.
Comment: This variant is classified as likely benign based on ACMG/AMP sequence variant interpretation guidelines (Richards et al. 2015 PMID: 25741868, with internal and published modifications).